The following is an entry in ClinVar:

ClinVar aggregate classification (germline): Likely benign (1 of 4 stars; one submission).

Submission:

CeGaT Center for Human Genetics Tuebingen
Classification: Likely benign. Last evaluated: 2026-08-01. Review status: criteria provided, single submitter. Criteria: CeGaT Center For Human Genetics Tuebingen Variant Classification Criteria Version 2. Collection method: clinical testing. Allele origin: germline. Affected: yes. Observed: 1 variant allele.
Comment: CAPNS1: BP4, BP7

NM_001749.4(CAPNS1):c.144T>C (p.Gly48=)

Gene: CAPNS1 (calpain small subunit 1; plus strand). Cytogenetic location: 19q13.12.
Variant type: single nucleotide variant.
Coding change: c.144T>C on transcript NM_001749.4 (MANE Select); coding-DNA position 144, T replaced by C.
Protein change: p.Gly48=; no amino-acid change (glycine 48 retained).
Molecular consequence: synonymous variant. On other transcripts: 5 prime UTR variant (1).
Genome position (GRCh38, 1-based): chr19:36,141,155, T>C. VCF-style: chr19-36141155-T-C. GRCh37 (hg19) VCF-style: chr19-36632057-T-C.
Other names: c.144T>C, p.Gly48= (NM_001003962.3, NM_001302632.2); c.-537T>C (NM_001302633.2).
Identifiers: ClinVar variation 5038787 (VCV005038787.1).